The following is an entry in ClinVar:

NM_015295.3(SMCHD1):c.3185C>T (p.Ala1062Val)

Gene: SMCHD1 (structural maintenance of chromosomes flexible hinge domain containing 1; plus strand). Cytogenetic location: 18p11.32.
Variant type: single nucleotide variant.
Coding change: c.3185C>T on transcript NM_015295.3 (MANE Select); coding-DNA position 3185, C replaced by T.
Protein change: p.Ala1062Val; replaces alanine 1062 with valine.
Molecular consequence: missense variant.
Genome position (GRCh38, 1-based): chr18:2,732,401, C>T. VCF-style: chr18-2732401-C-T. GRCh37 (hg19) VCF-style: chr18-2732399-C-T.
Other names: c.3185C>T (NM_015295.2); short protein forms A1062V.
Identifiers: ClinVar variation 2418816 (VCV002418816.7), dbSNP rs752298965, ClinGen allele CA8871145.
Genomic context (GRCh38, chr18:2,732,401, plus strand): 5'-TCAGTGTAGAAGGACAAAAGGCAATTCAGATCAAACATCAGGATGAGGTTAATTGGATAG[C>T]GGGTGATATTATGCATAATCTTATTTTTCAAATGTATGATGAAGGAGAAAGAGAAATCAA-3'
Protein context (NP_056110.2, residues 1052-1072): IKHQDEVNWI[Ala1062Val]GDIMHNLIFQ

ClinVar aggregate classification (germline): Uncertain significance. Review status: criteria provided, multiple submitters, no conflicts (2 of 4 stars). 2 submissions from 2 submitters: Uncertain significance (2). Last evaluated 2024-10-29.

Conditions:
Facioscapulohumeral muscular dystrophy 2 (FSHD2). Also called: MUSCULAR DYSTROPHY, FACIOSCAPULOHUMERAL, TYPE 1B; FACIOSCAPULOHUMERAL MUSCULAR DYSTROPHY 2, DIGENIC; FSHD2, DIGENIC. Identifiers: Orphanet 269, MedGen C1834671, MONDO:0008031, OMIM 158901.

Allele frequency attached by ClinVar (database versions not stated): gnomAD exomes below 0.00001; ExAC 0.00001; gnomAD 0.00001; TOPMed 0.00001.
gnomAD v4.1: 7 of 1,612,896 alleles (0.00043%); highest among the groups gnomAD compares: Admixed American, 0.005%; no homozygotes.

Submissions (2):

Labcorp Genetics (formerly Invitae), Labcorp
Classification: Uncertain significance for Facioscapulohumeral muscular dystrophy 2. Last evaluated: 2024-10-29. Review status: criteria provided, single submitter. Criteria: Invitae Variant Classification Sherloc (09022015). Collection method: clinical testing. Allele origin: germline.
Comment: This sequence change replaces alanine, which is neutral and non-polar, with valine, which is neutral and non-polar, at codon 1062 of the SMCHD1 protein (p.Ala1062Val). This variant is present in population databases (rs752298965, gnomAD 0.006%). This variant has not been reported in the literature in individuals affected with SMCHD1-related conditions. ClinVar contains an entry for this variant (Variation ID: 2418816). Invitae Evidence Modeling of protein sequence and biophysical properties (such as structural, functional, and spatial information, amino acid conservation, physicochemical variation, residue mobility, and thermodynamic stability) indicates that this missense variant is not expected to disrupt SMCHD1 protein function with a negative predictive value of 80%. In summary, the available evidence is currently insufficient to determine the role of this variant in disease. Therefore, it has been classified as a Variant of Uncertain Significance.

Revvity Omics, Revvity
Classification: Uncertain significance. Last evaluated: 2023-11-14. Review status: criteria provided, single submitter. Criteria: ACMG Guidelines, 2015. Collection method: clinical testing. Allele origin: germline.